The following is an entry in ClinVar:

ClinVar aggregate classification (germline): Uncertain significance (1 of 4 stars; one submission).

Conditions:
Charcot-Marie-Tooth disease type 4. Also called: Charcot-Marie-Tooth disease, type IV; Charcot-Marie-Tooth, Type 4. Identifiers: Orphanet 64749, MedGen C4082197, MONDO:0018995.

Submission:

Labcorp Genetics (formerly Invitae), Labcorp
Classification: Uncertain significance for Charcot-Marie-Tooth disease type 4. Last evaluated: 2022-02-14. Review status: criteria provided, single submitter. Criteria: Invitae Variant Classification Sherloc (09022015). Collection method: clinical testing. Allele origin: germline.
Comment: This sequence change replaces isoleucine, which is neutral and non-polar, with leucine, which is neutral and non-polar, at codon 950 of the SBF2 protein (p.Ile950Leu). This variant is not present in population databases (gnomAD no frequency). In summary, the available evidence is currently insufficient to determine the role of this variant in disease. Therefore, it has been classified as a Variant of Uncertain Significance. Algorithms developed to predict the effect of missense changes on protein structure and function (SIFT, PolyPhen-2, Align-GVGD) all suggest that this variant is likely to be tolerated. This variant has not been reported in the literature in individuals affected with SBF2-related conditions.

NM_030962.4(SBF2):c.2848A>C (p.Ile950Leu)

Genes: SBF2 (SET binding factor 2; minus strand), LOC101928008 (uncharacterized LOC101928008; plus strand). Cytogenetic location: 11p15.4.
Variant type: single nucleotide variant.
Coding change: c.2848A>C on transcript NM_030962.4 (MANE Select); coding-DNA position 2848, A replaced by C.
Protein change: p.Ile950Leu; replaces isoleucine 950 with leucine.
Molecular consequence: missense variant.
Genome position (GRCh38, 1-based): chr11:9,847,042, T>G on the plus strand (A>C on the coding strand, the complement: SBF2 is on the minus strand). VCF-style: chr11-9847042-T-G. GRCh37 (hg19) VCF-style: chr11-9868589-T-G.
Other names: c.2848A>C, p.Ile950Leu (NM_001386339.1); c.2719A>C, p.Ile907Leu (NM_001386342.1); short protein forms I907L, I950L.
Identifiers: ClinVar variation 2090316 (VCV002090316.4), dbSNP rs2494800162, ClinGen allele CA379633902.
Genomic context (GRCh38, chr11:9,847,042, plus strand): 5'-GTCCTTCTTGCATGTTCTGCTGTAGCTGGTTCTGCATTGTAATCTTCTTCTCCTTGGTGA[T>G]GGAGGCAATGGGAAAGCTCCGCACAACTGTCTGCTCACCCACTGTAAATAGACAGGACAC-3'
Protein context (NP_112224.1, residues 940-960): TVVRSFPIAS[Ile950Leu]TKEKKITMQN